The following is an entry in ClinVar:

NM_199420.4(POLQ):c.5135C>T (p.Ala1712Val)

Gene: POLQ (DNA polymerase theta; minus strand). Cytogenetic location: 3q13.33.
Variant type: single nucleotide variant.
Coding change: c.5135C>T on transcript NM_199420.4 (MANE Select); coding-DNA position 5135, C replaced by T.
Protein change: p.Ala1712Val; replaces alanine 1712 with valine.
Molecular consequence: missense variant.
Genome position (GRCh38, 1-based): chr3:121,487,796, G>A on the plus strand (C>T on the coding strand, the complement: POLQ is on the minus strand). VCF-style: chr3-121487796-G-A. GRCh37 (hg19) VCF-style: chr3-121206643-G-A.
Other names: short protein forms A1712V.
Identifiers: ClinVar variation 3308555 (VCV003308555.1).

ClinVar aggregate classification (germline): Uncertain significance (1 of 4 stars; one submission).

gnomAD v4.1: 2 of 1,609,564 alleles (0.00012%); highest among the groups gnomAD compares: East Asian, 0.0022%; no homozygotes.

Submission:

Ambry Genetics
Classification: Uncertain significance. Last evaluated: 2024-05-10. Review status: criteria provided, single submitter. Criteria: Ambry Variant Classification Scheme 2023. Collection method: clinical testing. Allele origin: germline.
Comment: The p.A1712V variant (also known as c.5135C>T), located in coding exon 16 of the POLQ gene, results from a C to T substitution at nucleotide position 5135. The alanine at codon 1712 is replaced by valine, an amino acid with similar properties. This amino acid position is conserved. In addition, this alteration is predicted to be tolerated by in silico analysis. Based on the available evidence, the clinical significance of this variant remains unclear.